The following is an entry in ClinVar:

NM_000077.5(CDKN2A):c.221A>T (p.Asp74Val)

Gene: CDKN2A (cyclin dependent kinase inhibitor 2A; minus strand). Cytogenetic location: 9p21.3.
Variant type: single nucleotide variant.
Coding change: c.221A>T on transcript NM_000077.5; coding-DNA position 221, A replaced by T.
Protein change: p.Asp74Val; replaces aspartic acid 74 with valine.
Molecular consequence: missense variant (on NM_000077.6). On other transcripts: synonymous variant (1), 3 prime UTR variant (1).
Genome position (GRCh38, 1-based): chr9:21,971,138, T>A on the plus strand (A>T on the coding strand, the complement: CDKN2A is on the minus strand). VCF-style: chr9-21971138-T-A. GRCh37 (hg19) VCF-style: chr9-21971137-T-A.
Other names: c.221A>T, p.Asp74Val (NM_000077.6, NM_001195132.2); c.68A>T, p.Asp23Val (NM_001363763.2); c.264A>T, p.Arg88= (NM_058195.4); c.*144A>T (NM_058197.5); short protein forms D74V, D23V.
Identifiers: ClinVar variation 820911 (VCV000820911.8), dbSNP rs200429615, ClinGen allele CA373086299.
Genomic context (GRCh38, chr9:21,971,138, plus strand): 5'-AGCGTGTCCAGGAAGCCCTCCCGGGCAGCGTCGTGCACGGGTCGGGTGAGAGTGGCGGGG[T>A]CGGCGCAGTTGGGCTCCGCGCCGTGGAGCAGCAGCAGCTCCGCCACTCGGGCGCTGCCCA-3'
Protein context (NP_000068.1, residues 64-84): LLHGAEPNCA[Asp74Val]PATLTRPVHD

ClinVar aggregate classification (germline): Conflicting classifications of pathogenicity. Review status: criteria provided, conflicting classifications (1 of 4 stars). 2 submissions from 2 submitters: Likely pathogenic (1); Uncertain significance (1). Last evaluated 2026-06-05.

Conditions:
Hereditary cancer-predisposing syndrome. Also called: Neoplastic Syndromes, Hereditary; Tumor predisposition; Hereditary Cancer Syndrome; Hereditary neoplastic syndrome. Identifiers: Orphanet 140162, MedGen C0027672, MeSH D009386, MONDO:0015356.
Familial melanoma. Also called: Hereditary melanoma; Hereditary cutaneous melanoma. Identifiers: Orphanet 618, MedGen C1512419, MONDO:0018961.

Submissions (2):

Ambry Genetics
Classification: Likely pathogenic for Hereditary cancer-predisposing syndrome. Last evaluated: 2026-06-05. Review status: criteria provided, single submitter. Criteria: Ambry Variant Classification Scheme 2023. Collection method: clinical testing. Allele origin: germline.
Comment: The p.D74V variant (also known as c.221A>T), located in coding exon 2 of the CDKN2A gene, results from an A to T substitution at nucleotide position 221. The aspartic acid at codon 74 is replaced by valine, an amino acid with highly dissimilar properties. Based on internal structural analysis, this variant is moderately destabilizing and more disruptive than known pathogenic variants (Ambry internal data). This amino acid position is highly conserved in available vertebrate species. In addition, this alteration is predicted to be deleterious by in silico analysis. Based on the majority of available evidence to date, this variant is likely to be pathogenic.

Labcorp Genetics (formerly Invitae), Labcorp
Classification: Uncertain significance for Familial melanoma. Last evaluated: 2022-07-05. Review status: criteria provided, single submitter. Criteria: Invitae Variant Classification Sherloc (09022015). Collection method: clinical testing. Allele origin: germline.
Comment: In summary, the available evidence is currently insufficient to determine the role of this variant in disease. Therefore, it has been classified as a Variant of Uncertain Significance. Algorithms developed to predict the effect of missense changes on protein structure and function (SIFT, PolyPhen-2, Align-GVGD) all suggest that this variant is likely to be disruptive. ClinVar contains an entry for this variant (Variation ID: 820911). This variant has not been reported in the literature in individuals affected with CDKN2A (p16INK4a)-related conditions. This variant is not present in population databases (gnomAD no frequency). This sequence change replaces aspartic acid, which is acidic and polar, with valine, which is neutral and non-polar, at codon 74 of the CDKN2A (p16INK4a) protein (p.Asp74Val).

Literature cited by the submitters: PubMed 25353071 (cited by Ambry Genetics).